The following is an entry in ClinVar:

NM_032119.4(ADGRV1):c.7232A>G (p.Tyr2411Cys)

Gene: ADGRV1 (adhesion G protein-coupled receptor V1; plus strand). Cytogenetic location: 5q14.3.
Variant type: single nucleotide variant.
Coding change: c.7232A>G on transcript NM_032119.4 (MANE Select); coding-DNA position 7232, A replaced by G.
Protein change: p.Tyr2411Cys; replaces tyrosine 2411 with cysteine.
Molecular consequence: missense variant. On other transcripts: non-coding transcript variant (1).
Genome position (GRCh38, 1-based): chr5:90,693,988, A>G. VCF-style: chr5-90693988-A-G. GRCh37 (hg19) VCF-style: chr5-89989805-A-G.
Other names: short protein forms Y2411C.
Identifiers: ClinVar variation 1425364 (VCV001425364.3), dbSNP rs2149639412, ClinGen allele CA360375064.

ClinVar aggregate classification (germline): Uncertain significance (1 of 4 stars; one submission).

gnomAD v4.1: 3 of 1,613,468 alleles (0.00019%); highest among the groups gnomAD compares: South Asian, 0.0011%; no homozygotes.

Submission:

Labcorp Genetics (formerly Invitae), Labcorp
Classification: Uncertain significance. Last evaluated: 2022-06-05. Review status: criteria provided, single submitter. Criteria: Invitae Variant Classification Sherloc (09022015). Collection method: clinical testing. Allele origin: germline.
Comment: This sequence change replaces tyrosine, which is neutral and polar, with cysteine, which is neutral and slightly polar, at codon 2411 of the ADGRV1 protein (p.Tyr2411Cys). This variant is not present in population databases (gnomAD no frequency). This variant has not been reported in the literature in individuals affected with ADGRV1-related conditions. ClinVar contains an entry for this variant (Variation ID: 1425364). Algorithms developed to predict the effect of missense changes on protein structure and function are either unavailable or do not agree on the potential impact of this missense change (SIFT: "Deleterious"; PolyPhen-2: "Probably Damaging"; Align-GVGD: "Class C0"). In summary, the available evidence is currently insufficient to determine the role of this variant in disease. Therefore, it has been classified as a Variant of Uncertain Significance.